The following is an entry in ClinVar:

NM_000256.3(MYBPC3):c.209A>G (p.Glu70Gly)

Gene: MYBPC3 (myosin binding protein C3; minus strand). Cytogenetic location: 11p11.2.
Variant type: single nucleotide variant.
Coding change: c.209A>G on transcript NM_000256.3 (MANE Select); coding-DNA position 209, A replaced by G.
Protein change: p.Glu70Gly; replaces glutamic acid 70 with glycine.
Molecular consequence: missense variant.
Genome position (GRCh38, 1-based): chr11:47,351,322, T>C on the plus strand (A>G on the coding strand, the complement: MYBPC3 is on the minus strand). VCF-style: chr11-47351322-T-C. GRCh37 (hg19) VCF-style: chr11-47372873-T-C.
Other names: short protein forms E70G.
Identifiers: ClinVar variation 1469252 (VCV001469252.8), dbSNP rs2142869503, ClinGen allele CA380341713.

ClinVar aggregate classification (germline): Uncertain significance (1 of 4 stars; one submission).

Conditions:
Hypertrophic cardiomyopathy. Also called: HYPERTROPHIC MYOCARDIOPATHY. Identifiers: Orphanet 217569, MedGen C0007194, MeSH D002312, MONDO:0005045, HP:0001639.

Submission:

Labcorp Genetics (formerly Invitae), Labcorp
Classification: Uncertain significance for Hypertrophic cardiomyopathy. Last evaluated: 2022-04-01. Review status: criteria provided, single submitter. Criteria: Invitae Variant Classification Sherloc (09022015). Collection method: clinical testing. Allele origin: germline.
Comment: This sequence change replaces glutamic acid, which is acidic and polar, with glycine, which is neutral and non-polar, at codon 70 of the MYBPC3 protein (p.Glu70Gly). This variant is not present in population databases (gnomAD no frequency). In summary, the available evidence is currently insufficient to determine the role of this variant in disease. Therefore, it has been classified as a Variant of Uncertain Significance. Algorithms developed to predict the effect of missense changes on protein structure and function (SIFT, PolyPhen-2, Align-GVGD) all suggest that this variant is likely to be tolerated. This variant has not been reported in the literature in individuals affected with MYBPC3-related conditions.